The following is an entry in ClinVar:

ClinVar aggregate classification (germline): Likely benign. Review status: criteria provided, multiple submitters, no conflicts (2 of 4 stars). 2 submissions from 2 submitters: Likely benign (2). Last evaluated 2025-11-27.

Conditions:
Wilson disease (WND). Also called: Wilson's disease. Identifiers: Orphanet 905, MedGen C0019202, MONDO:0010200, OMIM 277900. Disease mechanism: loss of function.

Allele frequency attached by ClinVar (database versions not stated): gnomAD exomes below 0.00001.
gnomAD v4.1: 1 of 1,613,796 alleles (0.000062%); highest among the groups gnomAD compares: Non-Finnish European, 0.000085%; no homozygotes.

Submissions (2):

Labcorp Genetics (formerly Invitae), Labcorp
Classification: Likely benign for Wilson disease. Last evaluated: 2025-11-27. Review status: criteria provided, single submitter. Criteria: Invitae Variant Classification Sherloc (09022015). Collection method: clinical testing. Allele origin: germline.

All of Us Research Program, National Institutes of Health
Classification: Likely benign for Wilson disease. Last evaluated: 2023-07-10. Review status: criteria provided, single submitter. Criteria: ACMG Guidelines, 2015. Collection method: clinical testing. Allele origin: germline. Inheritance: Autosomal recessive inheritance. Observed: 1 variant allele, 1 heterozygote.
Comment: This study involves interpretation of variants in research participants for the purpose of population health screening. Participant phenotype was not available at the time of variant classification. Additional details can be found in publication PMID: 35346344, PMCID: PMC8962531

NM_000053.4(ATP7B):c.510A>C (p.Gly170=)

Gene: ATP7B (ATPase copper transporting beta; minus strand). Cytogenetic location: 13q14.3.
Variant type: single nucleotide variant.
Coding change: c.510A>C on transcript NM_000053.4 (MANE Select); coding-DNA position 510, A replaced by C.
Protein change: p.Gly170=; no amino-acid change (glycine 170 retained).
Molecular consequence: synonymous variant.
Genome position (GRCh38, 1-based): chr13:51,974,710, T>G on the plus strand (A>C on the coding strand, the complement: ATP7B is on the minus strand). VCF-style: chr13-51974710-T-G. GRCh37 (hg19) VCF-style: chr13-52548846-T-G.
Other names: c.510A>C, p.Gly170= (NM_001005918.3, NM_001243182.2, NM_001330578.2 and 1 more transcripts).
Identifiers: ClinVar variation 1155206 (VCV001155206.10), dbSNP rs2140099250, ClinGen allele CA484025375.